The following is an entry in ClinVar:

ClinVar aggregate classification (germline): Pathogenic (1 of 4 stars; one submission).

Conditions:
USH2A-related disorder. Also called: USH2A-related condition; USH2A-related disorders. Identifiers: MedGen CN239332.

Submission:

Myriad Genetics, Inc.
Classification: Pathogenic for USH2A-related disorder. Last evaluated: 2026-09-07. Review status: criteria provided, single submitter. Criteria: Myriad Autosomal Dominant, Autosomal Recessive and X-Linked Classification Criteria (2023). Collection method: clinical testing. Allele origin: unknown.
Comment: NM_206933.2(USH2A):c.15161T>A(L5054*) is expected to be pathogenic in the context of USH2A-related disorders. This variant is predicted to lead to an abnormal or absent protein product due to the creation of a premature termination codon in USH2A, a gene where loss-of-function variants are known to be pathogenic. Please note: this variant was assessed in the context of healthy population screening.

NM_206933.4(USH2A):c.15161T>A (p.Leu5054Ter)

Gene: USH2A (usherin; minus strand). Cytogenetic location: 1q41.
Variant type: single nucleotide variant.
Coding change: c.15161T>A on transcript NM_206933.4 (MANE Select); coding-DNA position 15161, T replaced by A.
Protein change: p.Leu5054Ter; replaces leucine 5054 with a stop codon.
Molecular consequence: nonsense.
Genome position (GRCh38, 1-based): chr1:215,634,595, A>T on the plus strand (T>A on the coding strand, the complement: USH2A is on the minus strand). VCF-style: chr1-215634595-A-T. GRCh37 (hg19) VCF-style: chr1-215807937-A-T.
Other names: short protein forms L5054*.
Identifiers: ClinVar variation 5016324 (VCV005016324.1).